The following is an entry in ClinVar:

NM_006790.3(MYOT):c.382C>T (p.Pro128Ser)

Genes: MYOT (myotilin; plus strand), PKD2L2-DT (PKD2L2 divergent transcript; minus strand). Cytogenetic location: 5q31.2.
Variant type: single nucleotide variant.
Coding change: c.382C>T on transcript NM_006790.3 (MANE Select); coding-DNA position 382, C replaced by T.
Protein change: p.Pro128Ser; replaces proline 128 with serine.
Molecular consequence: missense variant. On other transcripts: 5 prime UTR variant (1).
Genome position (GRCh38, 1-based): chr5:137,875,854, C>T. VCF-style: chr5-137875854-C-T. GRCh37 (hg19) VCF-style: chr5-137211543-C-T.
Other names: c.-171C>T (NM_001135940.2); c.37C>T, p.Pro13Ser (NM_001300911.2); short protein forms P128S, P13S.
Identifiers: ClinVar variation 5041516 (VCV005041516.1).

ClinVar aggregate classification (germline): Uncertain significance (1 of 4 stars; one submission).

Submission:

CeGaT Center for Human Genetics Tuebingen
Classification: Uncertain significance. Last evaluated: 2026-09-01. Review status: criteria provided, single submitter. Criteria: CeGaT Center For Human Genetics Tuebingen Variant Classification Criteria Version 2. Collection method: clinical testing. Allele origin: germline. Affected: yes. Observed: 1 variant allele.
Comment: MYOT: PM2, BP4